The following is an entry in ClinVar:

ClinVar aggregate classification (germline): Uncertain significance (1 of 4 stars; one submission).

Conditions:
Spinocerebellar ataxia, autosomal recessive, with axonal neuropathy 2 (SCAN2). Also called: Ataxia-ocular apraxia-2; Ataxia with Oculomotor Apraxia Type 2; Ataxia with Oculomotor Apraxia; ATAXIA-OCULOMOTOR APRAXIA 2. Identifiers: Orphanet 64753, MedGen C1853761, MONDO:0018996, OMIM 606002.
Amyotrophic lateral sclerosis type 4 (ALS4). Also called: NEURONOPATHY, DISTAL HEREDITARY MOTOR, WITH PYRAMIDAL FEATURES; AMYOTROPHIC LATERAL SCLEROSIS 4, JUVENILE. Identifiers: Orphanet 357043, MedGen C1865409, MONDO:0011223, OMIM 602433.

Submission:

Labcorp Genetics (formerly Invitae), Labcorp
Classification: Uncertain significance for Amyotrophic lateral sclerosis type 4; Spinocerebellar ataxia, autosomal recessive, with axonal neuropathy 2. Last evaluated: 2026-01-09. Review status: criteria provided, single submitter. Criteria: Invitae Variant Classification Sherloc (09022015). Collection method: clinical testing. Allele origin: germline.
Comment: This sequence change replaces aspartic acid, which is acidic and polar, with asparagine, which is neutral and polar, at codon 681 of the SETX protein (p.Asp681Asn). This variant is not present in population databases (gnomAD no frequency). This variant has not been reported in the literature in individuals affected with SETX-related conditions. Invitae Evidence Modeling of protein sequence and biophysical properties (such as structural, functional, and spatial information, amino acid conservation, physicochemical variation, residue mobility, and thermodynamic stability) indicates that this missense variant is not expected to disrupt SETX protein function with a negative predictive value of 95%. In summary, the available evidence is currently insufficient to determine the role of this variant in disease. Therefore, it has been classified as a Variant of Uncertain Significance.

NM_015046.7(SETX):c.2041G>A (p.Asp681Asn)

Gene: SETX (senataxin; minus strand). Cytogenetic location: 9q34.13.
Variant type: single nucleotide variant.
Coding change: c.2041G>A on transcript NM_015046.7 (MANE Select); coding-DNA position 2041, G replaced by A.
Protein change: p.Asp681Asn; replaces aspartic acid 681 with asparagine.
Molecular consequence: missense variant.
Genome position (GRCh38, 1-based): chr9:132,329,557, C>T on the plus strand (G>A on the coding strand, the complement: SETX is on the minus strand). VCF-style: chr9-132329557-C-T. GRCh37 (hg19) VCF-style: chr9-135204944-C-T.
Other names: c.2041G>A, p.Asp681Asn (NM_001351527.2, NM_001351528.2); short protein forms D681N.
Identifiers: ClinVar variation 4792998 (VCV004792998.1).